The following is an entry in ClinVar:

ClinVar aggregate classification (germline): Benign/Likely benign. Review status: criteria provided, multiple submitters, no conflicts (2 of 4 stars). 5 submissions from 5 submitters: Benign (3); Likely benign (1). 1 of the submissions does not count toward it. Last evaluated 2026-02-01.

Allele frequency attached by ClinVar (database versions not stated): 1000 Genomes Project 30x 0.04653; 1000 Genomes Project 0.04852; TOPMed 0.09033; gnomAD 0.09370 and 0.09593; ESP Exome Variant Server 0.09995; gnomAD exomes 0.10088 and 0.12668; ExAC 0.10398.
gnomAD v4.1: 198,648 of 1,614,104 alleles (12%); highest among the groups gnomAD compares: Non-Finnish European, 14%; 13,553 homozygotes.

Submissions (15):

Labcorp Genetics (formerly Invitae), Labcorp
Classification: Benign. Last evaluated: 2026-02-01. Review status: criteria provided, single submitter. Criteria: Invitae Variant Classification Sherloc (09022015). Collection method: clinical testing. Allele origin: germline.

Blueprint Genetics
Classification: Likely benign. Last evaluated: 2024-11-26. Review status: criteria provided, single submitter. Criteria: ACMG Guidelines, 2015. Collection method: clinical testing. Allele origin: germline.

GeneDx
Classification: Benign. Last evaluated: 2013-10-24. Review status: criteria provided, single submitter. Criteria: GeneDx Variant Classification (06012015). Collection method: clinical testing. Allele origin: germline. Affected: yes.
Comment: This variant is considered likely benign or benign based on one or more of the following criteria: it is a conservative change, it occurs at a poorly conserved position in the protein, it is predicted to be benign by multiple in silico algorithms, and/or has population frequency not consistent with disease.

Breakthrough Genomics
Classification: Benign. Review status: criteria provided, single submitter. Criteria: ACMG Guidelines, 2015. Collection method: not provided. Allele origin: germline. Inheritance: Autosomal recessive inheritance. Affected: yes.

Mayo Clinic Laboratories, Mayo Clinic
Classification: Benign. Last evaluated: 2016-02-20. Review status: no assertion criteria provided. Collection method: clinical testing. Allele origin: unknown. Not counted in ClinVar's aggregate classification.

Dr. Peter K. Rogan Lab, Western University
No classification provided (evidence only). Condition: Malignant lymphoma, large B-cell, diffuse. Review status: no classification provided. Collection method: in vitro. Allele origin: not applicable. Functional consequence: retained intron. Not counted in ClinVar's aggregate classification.

Dr. Peter K. Rogan Lab, Western University
No classification provided (evidence only). Condition: Malignant lymphoma, large B-cell, diffuse. Review status: no classification provided. Collection method: in vitro. Allele origin: not applicable. Functional consequence: skipped exon, retained intron. Not counted in ClinVar's aggregate classification.

Dr. Peter K. Rogan Lab, Western University
No classification provided (evidence only). Condition: Malignant lymphoma, large B-cell, diffuse. Review status: no classification provided. Collection method: in vitro. Allele origin: not applicable. Functional consequence: skipped exon. Not counted in ClinVar's aggregate classification.

Dr. Peter K. Rogan Lab, Western University
No classification provided (evidence only). Condition: Germ cell tumor of testis. Review status: no classification provided. Collection method: in vitro. Allele origin: not applicable. Functional consequence: retained intron. Not counted in ClinVar's aggregate classification.

Dr. Peter K. Rogan Lab, Western University
No classification provided (evidence only). Condition: Uterine carcinosarcoma. Review status: no classification provided. Collection method: in vitro. Allele origin: not applicable. Functional consequence: retained intron. Not counted in ClinVar's aggregate classification.

Dr. Peter K. Rogan Lab, Western University
No classification provided (evidence only). Condition: Uterine carcinosarcoma. Review status: no classification provided. Collection method: in vitro. Allele origin: not applicable. Functional consequence: skipped exon. Not counted in ClinVar's aggregate classification.

Dr. Peter K. Rogan Lab, Western University
No classification provided (evidence only). Condition: Uterine carcinosarcoma. Review status: no classification provided. Collection method: in vitro. Allele origin: not applicable. Functional consequence: retained intron. Not counted in ClinVar's aggregate classification.

Dr. Peter K. Rogan Lab, Western University
No classification provided (evidence only). Condition: Uterine carcinosarcoma. Review status: no classification provided. Collection method: in vitro. Allele origin: not applicable. Functional consequence: retained intron. Not counted in ClinVar's aggregate classification.

Dr. Peter K. Rogan Lab, Western University
No classification provided (evidence only). Condition: Uveal melanoma. Review status: no classification provided. Collection method: in vitro. Allele origin: not applicable. Functional consequence: retained intron. Not counted in ClinVar's aggregate classification.

Dr. Peter K. Rogan Lab, Western University
No classification provided (evidence only). Condition: Uveal melanoma. Review status: no classification provided. Collection method: in vitro. Allele origin: not applicable. Functional consequence: retained intron. Not counted in ClinVar's aggregate classification.

NM_022915.5(MRPL44):c.546A>G (p.Glu182=)

Gene: MRPL44 (mitochondrial ribosomal protein L44; plus strand). Cytogenetic location: 2q36.1.
Variant type: single nucleotide variant.
Coding change: c.546A>G on transcript NM_022915.5 (MANE Select); coding-DNA position 546, A replaced by G.
Protein change: p.Glu182=; no amino-acid change (glutamic acid 182 retained).
Molecular consequence: synonymous variant.
Genome position (GRCh38, 1-based): chr2:223,959,900, A>G. VCF-style: chr2-223959900-A-G. GRCh37 (hg19) VCF-style: chr2-224824617-A-G.
Other names: p.E182E:GAA>GAG.
Identifiers: ClinVar variation 138244 (VCV000138244.18), dbSNP rs11546405, ClinGen allele CA292130.
Genomic context (GRCh38, chr2:223,959,900, plus strand): 5'-TGAGGAAGTCGTGTGTCACGTGGCTAGAAACTTGGCTGTGGAGCAGTTAACACTGAGTGA[A>G]GAATTCCCAGTGCCCCCAGCTGTGTTACAGCAGACTTTCTTTGCAGTTATTGGAGCCCTG-3'
Protein context (NP_075066.1, residues 172-192): NLAVEQLTLS[Glu182=]EFPVPPAVLQ